The following is an entry in ClinVar:

NM_005529.7(HSPG2):c.4934A>G (p.Tyr1645Cys)

Gene: HSPG2 (heparan sulfate proteoglycan 2; minus strand). Cytogenetic location: 1p36.12.
Variant type: single nucleotide variant.
Coding change: c.4934A>G on transcript NM_005529.7 (MANE Select); coding-DNA position 4934, A replaced by G.
Protein change: p.Tyr1645Cys; replaces tyrosine 1645 with cysteine.
Molecular consequence: missense variant.
Genome position (GRCh38, 1-based): chr1:21,861,778, T>C on the plus strand (A>G on the coding strand, the complement: HSPG2 is on the minus strand). VCF-style: chr1-21861778-T-C. GRCh37 (hg19) VCF-style: chr1-22188271-T-C.
Other names: c.4937A>G, p.Tyr1646Cys (NM_001291860.2); short protein forms Y1645C, Y1646C.
Identifiers: ClinVar variation 1514501 (VCV001514501.6), dbSNP rs773689001, ClinGen allele CA672114.

ClinVar aggregate classification (germline): Uncertain significance (1 of 4 stars; one submission).

Allele frequency attached by ClinVar (database versions not stated): TOPMed below 0.00001; gnomAD 0.00001; gnomAD exomes 0.00001 and 0.00002; ExAC 0.00002.
gnomAD v4.1: 5 of 1,613,836 alleles (0.00031%); highest among the groups gnomAD compares: Admixed American, 0.0083%; no homozygotes.

Submission:

Labcorp Genetics (formerly Invitae), Labcorp
Classification: Uncertain significance. Last evaluated: 2024-10-07. Review status: criteria provided, single submitter. Criteria: Invitae Variant Classification Sherloc (09022015). Collection method: clinical testing. Allele origin: germline.
Comment: This sequence change replaces tyrosine, which is neutral and polar, with cysteine, which is neutral and slightly polar, at codon 1645 of the HSPG2 protein (p.Tyr1645Cys). This variant is present in population databases (rs773689001, gnomAD 0.009%). This variant has not been reported in the literature in individuals affected with HSPG2-related conditions. ClinVar contains an entry for this variant (Variation ID: 1514501). An algorithm developed to predict the effect of missense changes on protein structure and function (PolyPhen-2) suggests that this variant is likely to be disruptive. In summary, the available evidence is currently insufficient to determine the role of this variant in disease. Therefore, it has been classified as a Variant of Uncertain Significance.